The following is an entry in ClinVar:

NM_006231.4(POLE):c.6286C>G (p.Leu2096Val)

Gene: POLE (DNA polymerase epsilon, catalytic subunit; minus strand). Cytogenetic location: 12q24.33.
Variant type: single nucleotide variant.
Coding change: c.6286C>G on transcript NM_006231.4 (MANE Select); coding-DNA position 6286, C replaced by G.
Protein change: p.Leu2096Val; replaces leucine 2096 with valine.
Molecular consequence: missense variant.
Genome position (GRCh38, 1-based): chr12:132,632,359, G>C on the plus strand (C>G on the coding strand, the complement: POLE is on the minus strand). VCF-style: chr12-132632359-G-C. GRCh37 (hg19) VCF-style: chr12-133208945-G-C.
Other names: c.6286C>G (NM_006231.2); short protein forms L2096V.
Identifiers: ClinVar variation 473790 (VCV000473790.18), dbSNP rs1049603207, ClinGen allele CA16622062.
Genomic context (GRCh38, chr12:132,632,359, plus strand): 5'-ACGCTGGCACTCTCACCTTGCACACGTATTTGATGAACTCCAGGGCAGGGTTATTGAGCA[G>C]CAAGTGGGAACCGGGGAGGACAGGAAACATCTCTGAGAGCTCAGTGGAGTTCCGAGAGCC-3'
Protein context (NP_006222.2, residues 2086-2106): MFPVLPGSHL[Leu2096Val]LNNPALEFIK

ClinVar aggregate classification (germline): Conflicting classifications of pathogenicity. Review status: criteria provided, conflicting classifications (1 of 4 stars). 4 submissions from 4 submitters: Uncertain significance (3); Likely benign (1). Last evaluated 2026-01-13.

Conditions:
Facial dysmorphism-immunodeficiency-livedo-short stature syndrome. Also called: Facial dysmorphism, immunodeficiency, livedo, and short stature; FILS syndrome. Identifiers: Orphanet 352712, MedGen C3554576, MONDO:0014058, OMIM 615139.
Intrauterine growth retardation, metaphyseal dysplasia, adrenal hypoplasia congenita, genital anomalies, and immunodeficiency. Also called: IMAGEI SYNDROME. Identifiers: MedGen C5193036, MONDO:0032684, OMIM 618336.
Colorectal cancer, susceptibility to, 12 (CRCS12). Also called: COLORECTAL CANCER, SUSCEPTIBILITY TO, ON CHROMOSOME 12q24. Identifiers: Orphanet 220460, MedGen C3554460, MONDO:0014038, OMIM 615083.
Hereditary cancer-predisposing syndrome. Also called: Neoplastic Syndromes, Hereditary; Tumor predisposition; Hereditary Cancer Syndrome; Hereditary neoplastic syndrome. Identifiers: Orphanet 140162, MedGen C0027672, MeSH D009386, MONDO:0015356.

Allele frequency attached by ClinVar (database versions not stated): gnomAD 0.00001; gnomAD exomes 0.00001; TOPMed 0.00001.
gnomAD v4.1: 10 of 1,614,066 alleles (0.00062%); highest among the groups gnomAD compares: East Asian, 0.0022%; no homozygotes.

Submissions (4):

Labcorp Genetics (formerly Invitae), Labcorp
Classification: Uncertain significance. Last evaluated: 2026-01-13. Review status: criteria provided, single submitter. Criteria: Invitae Variant Classification Sherloc (09022015). Collection method: clinical testing. Allele origin: germline.
Comment: This sequence change replaces leucine, which is neutral and non-polar, with valine, which is neutral and non-polar, at codon 2096 of the POLE protein (p.Leu2096Val). This variant is present in population databases (no rsID available, gnomAD 0.004%). This variant has not been reported in the literature in individuals affected with POLE-related conditions. ClinVar contains an entry for this variant (Variation ID: 473790). Invitae Evidence Modeling of protein sequence and biophysical properties (such as structural, functional, and spatial information, amino acid conservation, physicochemical variation, residue mobility, and thermodynamic stability) indicates that this missense variant is not expected to disrupt POLE protein function with a negative predictive value of 80%. In summary, the available evidence is currently insufficient to determine the role of this variant in disease. Therefore, it has been classified as a Variant of Uncertain Significance.

GeneDx
Classification: Uncertain significance. Last evaluated: 2025-05-12. Review status: criteria provided, single submitter. Criteria: GeneDx Variant Classification Process June 2021. Collection method: clinical testing. Allele origin: germline. Affected: yes.
Comment: Not observed at significant frequency in large population cohorts (gnomAD); In silico analysis suggests that this missense variant does not alter protein structure/function; Has not been previously published as pathogenic or benign to our knowledge

Ambry Genetics
Classification: Likely benign for Hereditary cancer-predisposing syndrome. Last evaluated: 2024-12-09. Review status: criteria provided, single submitter. Criteria: Ambry Variant Classification Scheme 2023. Collection method: clinical testing. Allele origin: germline.

Department of Pathology and Laboratory Medicine, Sinai Health System
Classification: Uncertain significance for Colorectal cancer, susceptibility to, 12; Facial dysmorphism-immunodeficiency-livedo-short stature syndrome; Intrauterine growth retardation, metaphyseal dysplasia, adrenal hypoplasia congenita, genital anomalies, and immunodeficiency. Last evaluated: 2021-03-08. Review status: criteria provided, single submitter. Criteria: ACMG Guidelines, 2015. Collection method: clinical testing. Allele origin: germline. Affected: yes.

Literature cited by the submitters: PubMed 37088804 (cited by Ambry Genetics).